The following is an entry in ClinVar:

NM_000717.5(CA4):c.58G>T (p.Glu20Ter)

Gene: CA4 (carbonic anhydrase 4; plus strand). Cytogenetic location: 17q23.1.
Variant type: single nucleotide variant.
Coding change: c.58G>T on transcript NM_000717.5 (MANE Select); coding-DNA position 58, G replaced by T.
Protein change: p.Glu20Ter; replaces glutamic acid 20 with a stop codon.
Molecular consequence: nonsense. On other transcripts: non-coding transcript variant (1).
Genome position (GRCh38, 1-based): chr17:60,150,092, G>T. VCF-style: chr17-60150092-G-T. GRCh37 (hg19) VCF-style: chr17-58227453-G-T.
Other names: short protein forms E20*.
Identifiers: ClinVar variation 2095265 (VCV002095265.4), dbSNP rs1402202023, ClinGen allele CA400447890.

ClinVar aggregate classification (germline): Pathogenic (1 of 4 stars; one submission).

Allele frequency attached by ClinVar (database versions not stated): gnomAD exomes below 0.00001; TOPMed below 0.00001.
gnomAD v4.1: 1 of 1,597,096 alleles (0.000063%); no homozygotes.

Submission:

Labcorp Genetics (formerly Invitae), Labcorp
Classification: Pathogenic. Last evaluated: 2022-02-08. Review status: criteria provided, single submitter. Criteria: Invitae Variant Classification Sherloc (09022015). Collection method: clinical testing. Allele origin: germline.
Comment: This variant has not been reported in the literature in individuals affected with CA4-related conditions. This variant is not present in population databases (gnomAD no frequency). This sequence change creates a premature translational stop signal (p.Glu20*) in the CA4 gene. It is expected to result in an absent or disrupted protein product. Loss-of-function variants in CA4 are known to be pathogenic (PMID: 33090715). For these reasons, this variant has been classified as Pathogenic.

Literature cited by the submitters: PubMed 33090715.